The following is an entry in ClinVar:

NM_020937.4(FANCM):c.2307A>T (p.Arg769Ser)

Gene: FANCM (FA complementation group M; plus strand). Cytogenetic location: 14q21.2.
Variant type: single nucleotide variant.
Coding change: c.2307A>T on transcript NM_020937.4 (MANE Select); coding-DNA position 2307, A replaced by T.
Protein change: p.Arg769Ser; replaces arginine 769 with serine.
Molecular consequence: missense variant.
Genome position (GRCh38, 1-based): chr14:45,173,201, A>T. VCF-style: chr14-45173201-A-T. GRCh37 (hg19) VCF-style: chr14-45642404-A-T.
Other names: c.2229A>T, p.Arg743Ser (NM_001308133.2); short protein forms R743S, R769S.
Identifiers: ClinVar variation 3655681 (VCV003655681.3).
Genomic context (GRCh38, chr14:45,173,201, plus strand): 5'-TGATCACTCAGATCGATGCCGCCATTTTATAGGCCTTATGCAAATGATAGAGGGAATGAG[A>T]CACGAAGAGGTGGGGTTTTATTGTAACTTTCTCTTGCTGGTATGATAGTAAAACTAGAGT-3'
Protein context (NP_065988.1, residues 759-779): IGLMQMIEGM[Arg769Ser]HEEGECSYEL

ClinVar aggregate classification (germline): Uncertain significance. Review status: criteria provided, multiple submitters, no conflicts (2 of 4 stars). 2 submissions from 2 submitters: Uncertain significance (2). Last evaluated 2026-04-16.

Conditions:
Fanconi anemia (FA). Also called: Fanconi's anemia. Identifiers: Orphanet 84, MedGen C0015625, MeSH D005199, MONDO:0019391.
Inborn genetic diseases. Identifiers: MedGen C0950123, MeSH D030342.

Submissions (2):

Ambry Genetics
Classification: Uncertain significance for Inborn genetic diseases. Last evaluated: 2026-04-16. Review status: criteria provided, single submitter. Criteria: Ambry Variant Classification Scheme 2023. Collection method: clinical testing. Allele origin: germline.
Comment: The p.R769S variant (also known as c.2307A>T), located in coding exon 13 of the FANCM gene, results from an A to T substitution at nucleotide position 2307. The arginine at codon 769 is replaced by serine, an amino acid with dissimilar properties. This amino acid position is conserved. In addition, this alteration is predicted to be tolerated by in silico analysis. Based on the available evidence, the clinical significance of this variant remains unclear.

Labcorp Genetics (formerly Invitae), Labcorp
Classification: Uncertain significance for Fanconi anemia. Last evaluated: 2024-06-11. Review status: criteria provided, single submitter. Criteria: Invitae Variant Classification Sherloc (09022015). Collection method: clinical testing. Allele origin: germline.
Comment: This sequence change replaces arginine, which is basic and polar, with serine, which is neutral and polar, at codon 769 of the FANCM protein (p.Arg769Ser). This variant is not present in population databases (gnomAD no frequency). This variant has not been reported in the literature in individuals affected with FANCM-related conditions. An algorithm developed to predict the effect of missense changes on protein structure and function (PolyPhen-2) suggests that this variant is likely to be disruptive. In summary, the available evidence is currently insufficient to determine the role of this variant in disease. Therefore, it has been classified as a Variant of Uncertain Significance.